The following is an entry in ClinVar:

ClinVar aggregate classification (germline): Benign (1 of 4 stars; one submission).

Conditions:
Neuroblastoma (NB). Identifiers: Orphanet 635, MedGen C0027819, MeSH D009447, MONDO:0005072, HP:0003006.

Allele frequency attached by ClinVar (database versions not stated): gnomAD exomes 0.00723; gnomAD 0.03659 and 0.03958; 1000 Genomes Project 0.03734; 1000 Genomes Project 30x 0.04091; TOPMed 0.04094.
gnomAD v4.1: 6,159 of 231,994 alleles (2.7%); highest among the groups gnomAD compares: African/African-American, 12%; 379 homozygotes.

Submission:

Illumina Laboratory Services, Illumina
Classification: Benign for Neuroblastoma. Last evaluated: 2018-01-13. Review status: criteria provided, single submitter. Criteria: ICSL Variant Classification Criteria 13 December 2019. Collection method: clinical testing. Allele origin: germline.
Comment: This variant was observed in the ICSL laboratory as part of a predisposition screen in an ostensibly healthy population. It had not been previously curated by ICSL or reported in the Human Gene Mutation Database (HGMD: prior to June 1st, 2018), and was therefore a candidate for classification through an automated scoring system. Utilizing variant allele frequency, disease prevalence and penetrance estimates, and inheritance mode, an automated score was calculated to assess if this variant is too frequent to cause the disease. Based on the score and internal cut-off values, a variant classified as benign is not then subjected to further curation. The score for this variant resulted in a classification of benign for this disease.

NM_001365951.3(KIF1B):c.*2661A>T

Gene: KIF1B (kinesin family member 1B; plus strand). Cytogenetic location: 1p36.22.
Variant type: single nucleotide variant.
Coding change: c.*2661A>T on transcript NM_001365951.3 (MANE Select); 2661 bases downstream of the stop codon, A replaced by T.
Molecular consequence: 3 prime UTR variant.
Genome position (GRCh38, 1-based): chr1:10,379,248, A>T. VCF-style: chr1-10379248-A-T. GRCh37 (hg19) VCF-style: chr1-10439306-A-T.
Other names: c.*2661A>T (NM_001365952.1, NM_015074.3).
Identifiers: ClinVar variation 291625 (VCV000291625.5), dbSNP rs6694522, ClinGen allele CA10607304.